The following is an entry in ClinVar:

ClinVar aggregate classification (germline): Uncertain significance (1 of 4 stars; one submission).

Conditions:
Ciliary dyskinesia, primary, 40. Also called: CILIARY DYSKINESIA, PRIMARY, 40, WITH OR WITHOUT SITUS INVERSUS. Identifiers: MedGen C4749028, MONDO:0032664, OMIM 618300.

gnomAD v4.1: 67 of 1,201,184 alleles (0.0056%); highest among the groups gnomAD compares: East Asian, 0.058%; no homozygotes.

Submission:

3billion
Classification: Uncertain significance for Ciliary dyskinesia, primary, 40. Last evaluated: 2023-08-28. Review status: criteria provided, single submitter. Criteria: ACMG Guidelines, 2015. Collection method: clinical testing. Allele origin: germline. Affected: yes.
Comment: Although the variant is observed at an extremely low frequency in the gnomAD v2.1.1 dataset (total allele frequency: 0.013%), it may be a fairly common polymorphism in specific populations. Predicted Consequence/Location: Intron variant In silico tools predict the variant to alter splicing and produce an abnormal transcript [SpliceAI: 0.28 (>=0.2, moderate evidence for spliceogenicity)]. Therefore, this variant is classified as VUS according to the recommendation of ACMG/AMP guideline.

NM_001372.4(DNAH9):c.6400-73G>T

Gene: DNAH9 (dynein axonemal heavy chain 9; plus strand). Cytogenetic location: 17p12.
Variant type: single nucleotide variant.
Coding change: c.6400-73G>T on transcript NM_001372.4 (MANE Select); 73 bases into the intron before coding-DNA position 6400, G replaced by T.
Molecular consequence: intron variant.
Genome position (GRCh38, 1-based): chr17:11,747,483, G>T. VCF-style: chr17-11747483-G-T. GRCh37 (hg19) VCF-style: chr17-11650800-G-T.
Identifiers: ClinVar variation 3776126 (VCV003776126.1).